The following is an entry in ClinVar:

ClinVar aggregate classification (germline): Uncertain significance. Review status: criteria provided, multiple submitters, no conflicts (2 of 4 stars). 2 submissions from 2 submitters: Uncertain significance (2). Last evaluated 2025-08-30.

Conditions:
Inborn genetic diseases. Identifiers: MedGen C0950123, MeSH D030342.

gnomAD v4.1: 1 of 1,613,946 alleles (0.000062%); highest among the groups gnomAD compares: Admixed American, 0.0017%; no homozygotes.

Submissions (2):

Labcorp Genetics (formerly Invitae), Labcorp
Classification: Uncertain significance. Last evaluated: 2025-08-30. Review status: criteria provided, single submitter. Criteria: Invitae Variant Classification Sherloc (09022015). Collection method: clinical testing. Allele origin: germline.
Comment: This sequence change replaces histidine, which is basic and polar, with glutamine, which is neutral and polar, at codon 61 of the SAMD9 protein (p.His61Gln). This variant is not present in population databases (gnomAD no frequency). This variant has not been reported in the literature in individuals affected with SAMD9-related conditions. ClinVar contains an entry for this variant (Variation ID: 3791945). Invitae Evidence Modeling of protein sequence and biophysical properties (such as structural, functional, and spatial information, amino acid conservation, physicochemical variation, residue mobility, and thermodynamic stability) indicates that this missense variant is not expected to disrupt SAMD9 protein function with a negative predictive value of 95%. In summary, the available evidence is currently insufficient to determine the role of this variant in disease. Therefore, it has been classified as a Variant of Uncertain Significance.

Ambry Genetics
Classification: Uncertain significance for Inborn genetic diseases. Last evaluated: 2024-12-22. Review status: criteria provided, single submitter. Criteria: Ambry Variant Classification Scheme 2023. Collection method: clinical testing. Allele origin: germline.
Comment: The p.H61Q variant (also known as c.183T>G), located in coding exon 1 of the SAMD9 gene, results from a T to G substitution at nucleotide position 183. The histidine at codon 61 is replaced by glutamine, an amino acid with highly similar properties. This amino acid position is conserved. In addition, this alteration is predicted to be tolerated by in silico analysis. Based on the available evidence, the clinical significance of this variant remains unclear.

NM_017654.4(SAMD9):c.183T>G (p.His61Gln)

Gene: SAMD9 (sterile alpha motif domain containing 9; minus strand). Cytogenetic location: 7q21.2.
Variant type: single nucleotide variant.
Coding change: c.183T>G on transcript NM_017654.4 (MANE Select); coding-DNA position 183, T replaced by G.
Protein change: p.His61Gln; replaces histidine 61 with glutamine.
Molecular consequence: missense variant.
Genome position (GRCh38, 1-based): chr7:93,105,915, A>C on the plus strand (T>G on the coding strand, the complement: SAMD9 is on the minus strand). VCF-style: chr7-93105915-A-C. GRCh37 (hg19) VCF-style: chr7-92735228-A-C.
Other names: c.183T>G, p.His61Gln (NM_001193307.2); short protein forms H61Q.
Identifiers: ClinVar variation 3791945 (VCV003791945.2).